The following is an entry in ClinVar:

ClinVar aggregate classification (germline): Uncertain significance (1 of 4 stars; one submission).

Conditions:
Familial hypercholesterolemia. Also called: Familial hypercholesterolaemia. Identifiers: MedGen C0020445, MONDO:0005439.

Submission:

Color Diagnostics, LLC DBA Color Health
Classification: Uncertain significance for Familial hypercholesterolemia. Last evaluated: 2025-09-05. Review status: criteria provided, single submitter. Criteria: ACMG Guidelines, 2015. Collection method: clinical testing. Allele origin: germline.
Comment: This missense variant replaces threonine with asparagine at codon 353 of the PCSK9 protein. Computational prediction is inconclusive regarding the impact of this variant on protein structure and function. To our knowledge, functional studies have not been reported for this variant. This variant has not been reported in individuals affected with PCSK9-related disorders in the literature. This variant has not been identified in the general population by the Genome Aggregation Database (gnomAD). The available evidence is insufficient to determine the role of this variant in disease conclusively. Therefore, this variant is classified as a Variant of Uncertain Significance.

NM_174936.4(PCSK9):c.1058C>A (p.Thr353Asn)

Gene: PCSK9 (proprotein convertase subtilisin/kexin type 9; plus strand). Cytogenetic location: 1p32.3.
Variant type: single nucleotide variant.
Coding change: c.1058C>A on transcript NM_174936.4 (MANE Select); coding-DNA position 1058, C replaced by A.
Protein change: p.Thr353Asn; replaces threonine 353 with asparagine.
Molecular consequence: missense variant. On other transcripts: non-coding transcript variant (7).
Genome position (GRCh38, 1-based): chr1:55,057,392, C>A. VCF-style: chr1-55057392-C-A. GRCh37 (hg19) VCF-style: chr1-55523065-C-A.
Other names: c.1181C>A, p.Thr394Asn (NM_001407240.1); c.1058C>A, p.Thr353Asn (NM_001407241.1, NM_001407244.1, NM_001407247.1); c.1061C>A, p.Thr354Asn (NM_001407242.1); c.1001C>A, p.Thr334Asn (NM_001407243.1); c.866C>A, p.Thr289Asn (NM_001407245.1); c.683C>A, p.Thr228Asn (NM_001407246.1); short protein forms T228N, T289N, T334N, T353N, T354N, T394N.
Identifiers: ClinVar variation 4757999 (VCV004757999.1).